The following is an entry in ClinVar:

ClinVar aggregate classification (germline): Likely benign (0 of 4 stars; one submission).

Conditions:
ZBTB42-related disorder. Also called: ZBTB42-related condition.

Allele frequency attached by ClinVar (database versions not stated): ExAC 0.00013; 1000 Genomes Project 30x 0.00109; 1000 Genomes Project 0.00140.

Submission:

PreventionGenetics, part of Exact Sciences
Classification: Likely benign for ZBTB42-related condition. Last evaluated: 2019-03-21. Review status: no assertion criteria provided. Collection method: clinical testing. Allele origin: germline.
Comment: This variant is classified as likely benign based on ACMG/AMP sequence variant interpretation guidelines (Richards et al. 2015 PMID: 25741868, with internal and published modifications).

NM_001137601.3(ZBTB42):c.879C>A (p.Leu293=)

Gene: ZBTB42 (zinc finger and BTB domain containing 42; plus strand). Cytogenetic location: 14q32.33.
Variant type: single nucleotide variant.
Coding change: c.879C>A on transcript NM_001137601.3 (MANE Select); coding-DNA position 879, C replaced by A.
Protein change: p.Leu293=; no amino-acid change (leucine 293 retained).
Molecular consequence: synonymous variant.
Genome position (GRCh38, 1-based): chr14:104,802,076, C>A. VCF-style: chr14-104802076-C-A. GRCh37 (hg19) VCF-style: chr14-105268413-C-A.
Other names: c.879C>A, p.Leu293= (NM_001370342.1).
Identifiers: ClinVar variation 3046269 (VCV003046269.2), dbSNP rs145420561, ClinGen allele CA7375025.